The following is an entry in ClinVar:

ClinVar aggregate classification (germline): Uncertain significance. Review status: criteria provided, multiple submitters, no conflicts (2 of 4 stars). 2 submissions from 2 submitters: Uncertain significance (2). Last evaluated 2025-12-20.

Conditions:
Inborn genetic diseases. Identifiers: MedGen C0950123, MeSH D030342.

Allele frequency attached by ClinVar (database versions not stated): ExAC 0.00004; gnomAD exomes 0.00004; gnomAD 0.00007 and 0.00009; TOPMed 0.00007; ESP Exome Variant Server 0.00023.
gnomAD v4.1: 117 of 1,614,060 alleles (0.0072%); highest among the groups gnomAD compares: Non-Finnish European, 0.0092%; no homozygotes.

Submissions (2):

Labcorp Genetics (formerly Invitae), Labcorp
Classification: Uncertain significance. Last evaluated: 2025-12-20. Review status: criteria provided, single submitter. Criteria: Invitae Variant Classification Sherloc (09022015). Collection method: clinical testing. Allele origin: germline.
Comment: This sequence change replaces glycine, which is neutral and non-polar, with glutamic acid, which is acidic and polar, at codon 132 of the MCM3AP protein (p.Gly132Glu). This variant is present in population databases (rs143377142, gnomAD 0.01%). This variant has not been reported in the literature in individuals affected with MCM3AP-related conditions. ClinVar contains an entry for this variant (Variation ID: 1423608). An algorithm developed to predict the effect of missense changes on protein structure and function (PolyPhen-2) suggests that this variant is likely to be disruptive. In summary, the available evidence is currently insufficient to determine the role of this variant in disease. Therefore, it has been classified as a Variant of Uncertain Significance.

Ambry Genetics
Classification: Uncertain significance for Inborn genetic diseases. Last evaluated: 2021-08-02. Review status: criteria provided, single submitter. Criteria: Ambry Variant Classification Scheme 2023. Collection method: clinical testing. Allele origin: germline.

NM_003906.5(MCM3AP):c.395G>A (p.Gly132Glu)

Gene: MCM3AP (minichromosome maintenance complex component 3 associated protein; minus strand). Cytogenetic location: 21q22.3.
Variant type: single nucleotide variant.
Coding change: c.395G>A on transcript NM_003906.5 (MANE Select); coding-DNA position 395, G replaced by A.
Protein change: p.Gly132Glu; replaces glycine 132 with glutamic acid.
Molecular consequence: missense variant.
Genome position (GRCh38, 1-based): chr21:46,284,892, C>T on the plus strand (G>A on the coding strand, the complement: MCM3AP is on the minus strand). VCF-style: chr21-46284892-C-T. GRCh37 (hg19) VCF-style: chr21-47704806-C-T.
Other names: c.395G>A (NM_003906.3); short protein forms G132E.
Identifiers: ClinVar variation 1423608 (VCV001423608.7), dbSNP rs143377142, ClinGen allele CA10077355.
Genomic context (GRCh38, chr21:46,284,892, plus strand): 5'-GCATTTTCCAGAGGTTTAAAGCTGAATTCTGTTTTCCCAAAACCAGAGTTCACTATTTCT[C>T]CAGCTTCTTGTCCAAAAGCAGAAGTGCTTGGGAAAGCCCCAACACTGGTGGGTGATTTAA-3'
Protein context (NP_003897.2, residues 122-142): PSTSAFGQEA[Gly132Glu]EIVNSGFGKT